The following is an entry in ClinVar:

NM_000138.5(FBN1):c.1601G>A (p.Cys534Tyr)

Gene: FBN1 (fibrillin 1; minus strand). Cytogenetic location: 15q21.1.
Variant type: single nucleotide variant.
Coding change: c.1601G>A on transcript NM_000138.5 (MANE Select); coding-DNA position 1601, G replaced by A.
Protein change: p.Cys534Tyr; replaces cysteine 534 with tyrosine.
Molecular consequence: missense variant.
Genome position (GRCh38, 1-based): chr15:48,510,157, C>T on the plus strand (G>A on the coding strand, the complement: FBN1 is on the minus strand). VCF-style: chr15-48510157-C-T. GRCh37 (hg19) VCF-style: chr15-48802354-C-T.
Other names: short protein forms C534Y.
Identifiers: ClinVar variation 42288 (VCV000042288.13), dbSNP rs397515759, ClinGen allele CA012313.

ClinVar aggregate classification (germline): Pathogenic/Likely pathogenic. Review status: criteria provided, multiple submitters, no conflicts (2 of 4 stars). 3 submissions from 3 submitters: Pathogenic (1); Likely pathogenic (2). Last evaluated 2024-04-11.

Conditions:
Marfan syndrome (MFS). Also called: FBN1-Related Marfan Syndrome; Marfan syndrome, classic; MARFAN SYNDROME, TYPE I; Marfan syndrome type 1; Marfan's syndrome. Identifiers: Orphanet 284963, Orphanet 558, MedGen C0024796, MONDO:0007947, OMIM 154700.
Familial thoracic aortic aneurysm and aortic dissection (TAAD). Also called: Thoracic aortic aneurysms and dissections. Identifiers: Orphanet 91387, MedGen C4707243, MONDO:0019625.
FBN1-related disorder. Also called: FBN1-related disorders.

Submissions (3):

Labcorp Genetics (formerly Invitae), Labcorp
Classification: Pathogenic for Marfan syndrome; Familial thoracic aortic aneurysm and aortic dissection. Last evaluated: 2024-04-11. Review status: criteria provided, single submitter. Criteria: Invitae Variant Classification Sherloc (09022015). Collection method: clinical testing. Allele origin: germline.
Comment: This sequence change replaces cysteine, which is neutral and slightly polar, with tyrosine, which is neutral and polar, at codon 534 of the FBN1 protein (p.Cys534Tyr). This variant is not present in population databases (gnomAD no frequency). This missense change has been observed in individuals with clinical features of Marfan syndrome (PMID: 10364683, 31730815). ClinVar contains an entry for this variant (Variation ID: 42288). Advanced modeling of protein sequence and biophysical properties (such as structural, functional, and spatial information, amino acid conservation, physicochemical variation, residue mobility, and thermodynamic stability) performed at Invitae indicates that this missense variant is expected to disrupt FBN1 protein function with a positive predictive value of 95%. This variant affects a cysteine residue in the EGF-like, TGFBP or hybrid motif domains of FBN1. Cysteine residues are believed to be involved in intramolecular disulfide bridges and have been shown to be important for FBN1 protein structure (PMID: 16905551, 19349279). In addition, missense substitutions affecting cysteine residues within these domains are significantly overrepresented among patients with Marfan syndrome (PMID: 16571647, 17701892). For these reasons, this variant has been classified as Pathogenic.

Blueprint Genetics
Classification: Likely pathogenic for FBN1-related disorders. Last evaluated: 2021-06-18. Review status: criteria provided, single submitter. Criteria: ACMG Guidelines, 2015. Collection method: clinical testing. Allele origin: germline. Affected: yes. Observed: 1 variant allele.

Laboratory for Molecular Medicine, Mass General Brigham Personalized Medicine
Classification: Likely pathogenic for Marfan syndrome. Last evaluated: 2008-05-01. Review status: criteria provided, single submitter. Criteria: LMM Criteria. Collection method: clinical testing. Allele origin: germline. Observed: 1 variant allele.

Literature cited by the submitters: PubMed 10364683 (cited by Labcorp Genetics (formerly Invitae), Labcorp and Laboratory for Molecular Medicine, Mass General Brigham Personalized Medicine); PubMed 31730815 (cited by Labcorp Genetics (formerly Invitae), Labcorp); PubMed 16905551 (cited by Labcorp Genetics (formerly Invitae), Labcorp); PubMed 19349279 (cited by Labcorp Genetics (formerly Invitae), Labcorp); PubMed 16571647 (cited by Labcorp Genetics (formerly Invitae), Labcorp); PubMed 17701892 (cited by Labcorp Genetics (formerly Invitae), Labcorp); PubMed 11251996 (cited by Laboratory for Molecular Medicine, Mass General Brigham Personalized Medicine).